The following is an entry in ClinVar:

ClinVar aggregate classification (germline): Uncertain significance. Review status: criteria provided, multiple submitters, no conflicts (2 of 4 stars). 2 submissions from 2 submitters: Uncertain significance (2). Last evaluated 2025-09-06.

Submissions (2):

Labcorp Genetics (formerly Invitae), Labcorp
Classification: Uncertain significance. Last evaluated: 2025-09-06. Review status: criteria provided, single submitter. Criteria: Invitae Variant Classification Sherloc (09022015). Collection method: clinical testing. Allele origin: germline.
Comment: This sequence change replaces glycine, which is neutral and non-polar, with valine, which is neutral and non-polar, at codon 241 of the TNFRSF6B protein (p.Gly241Val). This variant is not present in population databases (gnomAD no frequency). This variant has not been reported in the literature in individuals affected with TNFRSF6B-related conditions. An algorithm developed to predict the effect of missense changes on protein structure and function (PolyPhen-2) suggests that this variant is likely to be tolerated. In summary, the available evidence is currently insufficient to determine the role of this variant in disease. Therefore, it has been classified as a Variant of Uncertain Significance.

Ambry Genetics
Classification: Uncertain significance. Last evaluated: 2025-08-24. Review status: criteria provided, single submitter. Criteria: Ambry Variant Classification Scheme 2023. Collection method: clinical testing. Allele origin: germline.

NM_003823.4(TNFRSF6B):c.722G>T (p.Gly241Val)

Genes: RTEL1-TNFRSF6B (RTEL1-TNFRSF6B readthrough (NMD candidate); plus strand), TNFRSF6B (TNF receptor superfamily member 6b; plus strand). Cytogenetic location: 20q13.33.
Variant type: single nucleotide variant.
Coding change: c.722G>T on transcript NM_003823.4 (MANE Select); coding-DNA position 722, G replaced by T.
Protein change: p.Gly241Val; replaces glycine 241 with valine.
Molecular consequence: missense variant. On other transcripts: non-coding transcript variant (1).
Genome position (GRCh38, 1-based): chr20:63,698,382, G>T. VCF-style: chr20-63698382-G-T. GRCh37 (hg19) VCF-style: chr20-62329735-G-T.
Other names: short protein forms G241V.
Identifiers: ClinVar variation 4187939 (VCV004187939.2).
Genomic context (GRCh38, chr20:63,698,382, plus strand): 5'-TCCAGGACATCTCCATCAAGAGGCTGCAGCGGCTGCTGCAGGCCCTCGAGGCCCCGGAGG[G>T]CTGGGGTCCGACACCAAGGGCGGGCCGCGCGGCCTTGCAGCTGAAGCTGCGTCGGCGGCT-3'
Protein context (NP_003814.1, residues 231-251): RLLQALEAPE[Gly241Val]WGPTPRAGRA